The following is an entry in ClinVar:

NM_000760.4(CSF3R):c.235T>C (p.Ser79Pro)

Gene: CSF3R (colony stimulating factor 3 receptor; minus strand). Cytogenetic location: 1p34.3.
Variant type: single nucleotide variant.
Coding change: c.235T>C on transcript NM_000760.4 (MANE Select); coding-DNA position 235, T replaced by C.
Protein change: p.Ser79Pro; replaces serine 79 with proline.
Molecular consequence: missense variant.
Genome position (GRCh38, 1-based): chr1:36,475,503, A>G on the plus strand (T>C on the coding strand, the complement: CSF3R is on the minus strand). VCF-style: chr1-36475503-A-G. GRCh37 (hg19) VCF-style: chr1-36941104-A-G.
Other names: c.235T>C, p.Ser79Pro (NM_156039.3, NM_172313.3); short protein forms S79P.
Identifiers: ClinVar variation 1976355 (VCV001976355.5), dbSNP rs2521828212, ClinGen allele CA339424909.

ClinVar aggregate classification (germline): Uncertain significance (1 of 4 stars; one submission).

Conditions:
Autosomal recessive severe congenital neutropenia due to CSF3R deficiency. Also called: Neutropenia, severe congenital, 7, autosomal recessive. Identifiers: Orphanet 420702, MedGen C4310764, MONDO:0014865, OMIM 617014.

Allele frequency attached by ClinVar (database versions not stated): gnomAD exomes below 0.00001.

Submission:

Labcorp Genetics (formerly Invitae), Labcorp
Classification: Uncertain significance for Autosomal recessive severe congenital neutropenia due to CSF3R deficiency. Last evaluated: 2022-08-16. Review status: criteria provided, single submitter. Criteria: Invitae Variant Classification Sherloc (09022015). Collection method: clinical testing. Allele origin: germline.
Comment: In summary, the available evidence is currently insufficient to determine the role of this variant in disease. Therefore, it has been classified as a Variant of Uncertain Significance. Algorithms developed to predict the effect of missense changes on protein structure and function output the following: SIFT: "Tolerated"; PolyPhen-2: "Benign"; Align-GVGD: "Class C0". The proline amino acid residue is found in multiple mammalian species, which suggests that this missense change does not adversely affect protein function. This variant has not been reported in the literature in individuals affected with CSF3R-related conditions. This variant is not present in population databases (gnomAD no frequency). This sequence change replaces serine, which is neutral and polar, with proline, which is neutral and non-polar, at codon 79 of the CSF3R protein (p.Ser79Pro).